The following is an entry in ClinVar:

ClinVar aggregate classification (germline): Uncertain significance (1 of 4 stars; one submission).

Conditions:
Hereditary spastic paraplegia 30. Identifiers: Orphanet 101010, MedGen C5235139, MONDO:0012476.

Submission:

Clinical Genetics Laboratory, Skane University Hospital Lund
Classification: Uncertain significance for Hereditary spastic paraplegia 30. Last evaluated: 2025-04-15. Review status: criteria provided, single submitter. Criteria: ACMG Guidelines, 2015. Collection method: clinical testing. Allele origin: germline. Affected: yes.
Comment: PM2, PM5 and PP3

NM_001244008.2(KIF1A):c.79A>C (p.Ile27Leu)

Gene: KIF1A (kinesin family member 1A; minus strand). Cytogenetic location: 2q37.3.
Variant type: single nucleotide variant.
Coding change: c.79A>C on transcript NM_001244008.2 (MANE Select); coding-DNA position 79, A replaced by C.
Protein change: p.Ile27Leu; replaces isoleucine 27 with leucine.
Molecular consequence: missense variant.
Genome position (GRCh38, 1-based): chr2:240,797,674, T>G on the plus strand (A>C on the coding strand, the complement: KIF1A is on the minus strand). VCF-style: chr2-240797674-T-G. GRCh37 (hg19) VCF-style: chr2-241737091-T-G.
Other names: c.79A>C, p.Ile27Leu (NM_001320705.2, NM_001330289.2, NM_001330290.2 and 20 more transcripts); short protein forms I27L.
Identifiers: ClinVar variation 3777260 (VCV003777260.1).